The following is an entry in ClinVar:

NM_002076.4(GNS):c.1581-84C>G

Gene: GNS (glucosamine (N-acetyl)-6-sulfatase; minus strand). Cytogenetic location: 12q14.3.
Variant type: single nucleotide variant.
Coding change: c.1581-84C>G on transcript NM_002076.4 (MANE Select); 84 bases into the intron before coding-DNA position 1581, C replaced by G.
Molecular consequence: intron variant.
Genome position (GRCh38, 1-based): chr12:64,716,903, G>C on the plus strand (C>G on the coding strand, the complement: GNS is on the minus strand). VCF-style: chr12-64716903-G-C. GRCh37 (hg19) VCF-style: chr12-65110683-G-C.
Identifiers: ClinVar variation 1706672 (VCV001706672.2), dbSNP rs2279598, ClinGen allele CA238269493.
Genomic context (GRCh38, chr12:64,716,903, plus strand): 5'-ACATTAGCTCTCACTAGCTTCTCACTCAGAATATTATTCAGTGGAAAGGATAGCAGGAAG[G>C]GGTGTAAAAGAAACAAATCACCAGAAGGGACTCTAGTGAGAAAGTCTATGGTACAAAACA-3'

ClinVar aggregate classification (germline): Likely benign (1 of 4 stars; one submission).

Allele frequency attached by ClinVar (database versions not stated): gnomAD 0.00712; 1000 Genomes Project 30x 0.02264; 1000 Genomes Project 0.02456.
gnomAD v4.1: 7,785 of 884,658 alleles (0.88%); highest among the groups gnomAD compares: East Asian, 11%; 229 homozygotes.

Submission:

GeneDx
Classification: Likely benign. Last evaluated: 2019-09-02. Review status: criteria provided, single submitter. Criteria: GeneDx Variant Classification Process June 2021. Collection method: clinical testing. Allele origin: germline. Affected: yes.
Comment: See Variant Classification Assertion Criteria.